The following is an entry in ClinVar:

ClinVar aggregate classification (germline): Pathogenic/Likely pathogenic. Review status: criteria provided, multiple submitters, no conflicts (2 of 4 stars). 2 submissions from 2 submitters: Pathogenic (1); Likely pathogenic (1). Last evaluated 2024-09-12.

Conditions:
Breast-ovarian cancer, familial, susceptibility to, 3. Also called: RAD51C-Related Breast/Ovarian Cancer. Identifiers: Orphanet 145, MedGen C3150659, MONDO:0013253, OMIM 613399.
Fanconi anemia complementation group O. Also called: RAD51C-Related Fanconi Anemia. Identifiers: Orphanet 84, MedGen C3150653, MONDO:0013248, OMIM 613390.

Submissions (2):

Labcorp Genetics (formerly Invitae), Labcorp
Classification: Pathogenic for Fanconi anemia complementation group O. Last evaluated: 2024-09-12. Review status: criteria provided, single submitter. Criteria: Invitae Variant Classification Sherloc (09022015). Collection method: clinical testing. Allele origin: germline.
Comment: This sequence change creates a premature translational stop signal (p.Leu205Phefs*34) in the RAD51C gene. It is expected to result in an absent or disrupted protein product. Loss-of-function variants in RAD51C are known to be pathogenic (PMID: 20400964, 21990120, 24800917, 29278735). This variant is not present in population databases (gnomAD no frequency). This variant has not been reported in the literature in individuals affected with RAD51C-related conditions. ClinVar contains an entry for this variant (Variation ID: 1072935). For these reasons, this variant has been classified as Pathogenic.

Baylor Genetics
Classification: Likely pathogenic for Breast-ovarian cancer, familial, susceptibility to, 3. Last evaluated: 2021-10-26. Review status: criteria provided, single submitter. Criteria: ACMG Guidelines, 2015. Collection method: clinical testing. Allele origin: unknown.

Literature cited by the submitters: PubMed 20400964 (cited by Labcorp Genetics (formerly Invitae), Labcorp); PubMed 21990120 (cited by Labcorp Genetics (formerly Invitae), Labcorp); PubMed 24800917 (cited by Labcorp Genetics (formerly Invitae), Labcorp); PubMed 29278735 (cited by Labcorp Genetics (formerly Invitae), Labcorp).

NM_058216.3(RAD51C):c.612del (p.Leu205fs)

Genes: RAD51C (RAD51 paralog C; plus strand), LOC129390903 (MPRA-validated peak2919 silencer; plus strand). Cytogenetic location: 17q22.
Variant type: Deletion.
Coding change: c.612del on transcript NM_058216.3 (MANE Select); coding-DNA position 612, one base deleted (T; older notation c.612delT).
Protein change: p.Leu205fs; shifts the reading frame from leucine 205.
Molecular consequence: frameshift variant. On other transcripts: non-coding transcript variant (1).
Genome position (GRCh38, 1-based): chr17:58,703,236, T deleted; the last of 2 consecutive T bases (chr17:58,703,235-58,703,236); deleting either gives the same sequence. VCF-style (leftmost placement, unchanged base first): chr17-58703234-AT-A. GRCh37 (hg19) VCF-style: chr17-56780595-AT-A.
Other names: short protein forms L205fs.
Identifiers: ClinVar variation 1072935 (VCV001072935.8), dbSNP rs2143797889, ClinGen allele CA2499224761.
Genomic context (GRCh38, chr17:58,703,234, plus strand): 5'-TAAGAGTGTTTTGTTGTTTCAGAACACCGAAAAGCTTTGGAGGATTTCACTCTTGATAAT[AT>A]TCTTTCTCATATTTATTATTTTCGCTGTCGTGACTACACAGAGTTACTGGCACAAGTTTA-3'